The following is an entry in ClinVar:

ClinVar aggregate classification (germline): Benign. Review status: criteria provided, multiple submitters, no conflicts (2 of 4 stars). 2 submissions from 2 submitters: Benign (2). Last evaluated 2018-06-16.

Allele frequency attached by ClinVar (database versions not stated): 1000 Genomes Project 0.96665; 1000 Genomes Project 30x 0.96721; TOPMed 0.98051; gnomAD 0.98248 and 0.98250; gnomAD exomes 0.99562.
gnomAD v4.1: 1,069,860 of 1,076,666 alleles (99%); highest among the groups gnomAD compares: Non-Finnish European, 100%; 531,660 homozygotes.

Submissions (2):

GeneDx
Classification: Benign. Last evaluated: 2018-06-16. Review status: criteria provided, single submitter. Criteria: GeneDx Variant Classification (06012015). Collection method: clinical testing. Allele origin: germline. Affected: yes.
Comment: This variant is considered likely benign or benign based on one or more of the following criteria: it is a conservative change, it occurs at a poorly conserved position in the protein, it is predicted to be benign by multiple in silico algorithms, and/or has population frequency not consistent with disease.

Breakthrough Genomics
Classification: Benign. Review status: criteria provided, single submitter. Criteria: ACMG Guidelines, 2015. Collection method: not provided. Allele origin: germline. Inheritance: Autosomal recessive inheritance. Affected: yes.

NM_018451.5(CPAP):c.3825-88C>A

Genes: CPAP (centrosome assembly and centriole elongation protein; minus strand), RNF17 (ring finger protein 17; plus strand). Cytogenetic location: 13q12.12.
Variant type: single nucleotide variant.
Coding change: c.3825-88C>A on transcript NM_018451.5 (MANE Select); 88 bases into the intron before coding-DNA position 3825, C replaced by A.
Molecular consequence: intron variant.
Genome position (GRCh38, 1-based): chr13:24,883,457, G>T on the plus strand (C>A on the coding strand, the complement: CPAP is on the minus strand). VCF-style: chr13-24883457-G-T. GRCh37 (hg19) VCF-style: chr13-25457595-G-T.
Identifiers: ClinVar variation 678327 (VCV000678327.2), dbSNP rs7317575, ClinGen allele CA247124484.